The following is an entry in ClinVar:

ClinVar aggregate classification (germline): Uncertain significance (1 of 4 stars; one submission).

Conditions:
Bethlem myopathy 1A. Also called: MYOPATHY, BENIGN CONGENITAL, WITH CONTRACTURES; Bethlem myopathy 1; Bethlem Muscular Dystrophy. Identifiers: Orphanet 610, MedGen CN029274, MONDO:0024530, OMIM 158810.

Submission:

Labcorp Genetics (formerly Invitae), Labcorp
Classification: Uncertain significance for Bethlem myopathy 1A. Last evaluated: 2021-09-21. Review status: criteria provided, single submitter. Criteria: Invitae Variant Classification Sherloc (09022015). Collection method: clinical testing. Allele origin: germline.
Comment: This sequence change replaces aspartic acid with glycine at codon 396 of the COL6A3 protein (p.Asp396Gly). The aspartic acid residue is weakly conserved and there is a moderate physicochemical difference between aspartic acid and glycine. This variant is not present in population databases (ExAC no frequency). This variant has not been reported in the literature in individuals affected with COL6A3-related conditions. Advanced modeling of protein sequence and biophysical properties (such as structural, functional, and spatial information, amino acid conservation, physicochemical variation, residue mobility, and thermodynamic stability) performed at Invitae indicates that this missense variant is not expected to disrupt COL6A3 protein function. In summary, the available evidence is currently insufficient to determine the role of this variant in disease. Therefore, it has been classified as a Variant of Uncertain Significance.

NM_004369.4(COL6A3):c.1187A>G (p.Asp396Gly)

Gene: COL6A3 (collagen type VI alpha 3 chain; minus strand). Cytogenetic location: 2q37.3.
Variant type: single nucleotide variant.
Coding change: c.1187A>G on transcript NM_004369.4 (MANE Select); coding-DNA position 1187, A replaced by G.
Protein change: p.Asp396Gly; replaces aspartic acid 396 with glycine.
Molecular consequence: missense variant. On other transcripts: intron variant (2).
Genome position (GRCh38, 1-based): chr2:237,387,707, T>C on the plus strand (A>G on the coding strand, the complement: COL6A3 is on the minus strand). VCF-style: chr2-237387707-T-C. GRCh37 (hg19) VCF-style: chr2-238296350-T-C.
Other names: c.569A>G, p.Asp190Gly (NM_057165.5, NM_057167.4); c.92-6208A>G (NM_057166.5, NM_057164.5); short protein forms D190G, D396G.
Identifiers: ClinVar variation 1517356 (VCV001517356.6), dbSNP rs1051157564, ClinGen allele CA67835649.